The following is an entry in ClinVar:

NM_000294.3(PHKG2):c.553C>T (p.Arg185Ter)

Gene: PHKG2 (phosphorylase kinase catalytic subunit gamma 2; plus strand). Cytogenetic location: 16p11.2.
Variant type: single nucleotide variant.
Coding change: c.553C>T on transcript NM_000294.3 (MANE Select); coding-DNA position 553, C replaced by T.
Protein change: p.Arg185Ter; replaces arginine 185 with a stop codon.
Molecular consequence: nonsense.
Genome position (GRCh38, 1-based): chr16:30,753,554, C>T. VCF-style: chr16-30753554-C-T. GRCh37 (hg19) VCF-style: chr16-30764875-C-T.
Other names: c.553C>T, p.Arg185Ter (NM_001172432.2); short protein forms R185*.
Identifiers: ClinVar variation 577568 (VCV000577568.6), dbSNP rs1270523244, ClinGen allele CA395657229.

ClinVar aggregate classification (germline): Pathogenic. Review status: criteria provided, multiple submitters, no conflicts (2 of 4 stars). 2 submissions from 2 submitters: Pathogenic (2). Last evaluated 2024-01-28.

Conditions:
Glycogen storage disease type IXc.
Glycogen storage disease IXc (GSD9C). Also called: GSD IXc. Identifiers: Orphanet 264580, MedGen C2751643, MONDO:0013091, OMIM 613027.

Allele frequency attached by ClinVar (database versions not stated): gnomAD exomes below 0.00001; gnomAD 0.00001; TOPMed 0.00001.
gnomAD v4.1: 7 of 1,613,860 alleles (0.00043%); highest among the groups gnomAD compares: African/African-American, 0.0027%; no homozygotes.

Submissions (2):

Labcorp Genetics (formerly Invitae), Labcorp
Classification: Pathogenic for Glycogen storage disease IXc. Last evaluated: 2024-01-28. Review status: criteria provided, single submitter. Criteria: Invitae Variant Classification Sherloc (09022015). Collection method: clinical testing. Allele origin: germline.
Comment: This sequence change creates a premature translational stop signal (p.Arg185*) in the PHKG2 gene. It is expected to result in an absent or disrupted protein product. Loss-of-function variants in PHKG2 are known to be pathogenic (PMID: 8896567, 17689125, 21646031). This variant is present in population databases (no rsID available, gnomAD 0.004%). This premature translational stop signal has been observed in individual(s) with glycogen storage disease (PMID: 29360628). ClinVar contains an entry for this variant (Variation ID: 577568). For these reasons, this variant has been classified as Pathogenic.

CENTOGENE GmbH and LLC - Guiding Precision Medicine
Classification: Pathogenic for Glycogen storage disease type IXc. Review status: criteria provided, single submitter. Criteria: ACMG Guidelines, 2015. Collection method: clinical testing. Allele origin: germline. Affected: yes.

Literature cited by the submitters: PubMed 8896567 (cited by Labcorp Genetics (formerly Invitae), Labcorp); PubMed 17689125 (cited by Labcorp Genetics (formerly Invitae), Labcorp); PubMed 21646031 (cited by Labcorp Genetics (formerly Invitae), Labcorp); PubMed 29360628 (cited by Labcorp Genetics (formerly Invitae), Labcorp).